The following is an entry in ClinVar:

NM_001197104.2(KMT2A):c.37C>G (p.Pro13Ala)

Gene: KMT2A (lysine methyltransferase 2A; plus strand). Cytogenetic location: 11q23.3.
Variant type: single nucleotide variant.
Coding change: c.37C>G on transcript NM_001197104.2 (MANE Select); coding-DNA position 37, C replaced by G.
Protein change: p.Pro13Ala; replaces proline 13 with alanine.
Molecular consequence: missense variant.
Genome position (GRCh38, 1-based): chr11:118,436,549, C>G. VCF-style: chr11-118436549-C-G. GRCh37 (hg19) VCF-style: chr11-118307264-C-G.
Other names: c.37C>G, p.Pro13Ala (NM_001412597.1, NM_005933.4); short protein forms P13A.
Identifiers: ClinVar variation 4800510 (VCV004800510.1).
Genomic context (GRCh38, chr11:118,436,549, plus strand): 5'-GCTGCTTCACTTCACGGGGCGAACATGGCGCACAGCTGTCGGTGGCGCTTCCCCGCCCGA[C>G]CCGGGACCACCGGGGGCGGCGGCGGCGGGGGGCGCCGGGGCCTAGGGGGCGCCCCGCGGC-3'
Protein context (NP_001184033.1, residues 3-23): HSCRWRFPAR[Pro13Ala]GTTGGGGGGG

ClinVar aggregate classification (germline): Uncertain significance (1 of 4 stars; one submission).

Submission:

Labcorp Genetics (formerly Invitae), Labcorp
Classification: Uncertain significance. Last evaluated: 2025-04-09. Review status: criteria provided, single submitter. Criteria: Invitae Variant Classification Sherloc (09022015). Collection method: clinical testing. Allele origin: germline.
Comment: This sequence change replaces proline, which is neutral and non-polar, with alanine, which is neutral and non-polar, at codon 13 of the KMT2A protein (p.Pro13Ala). This variant is not present in population databases (gnomAD no frequency). This variant has not been reported in the literature in individuals affected with KMT2A-related conditions. Invitae Evidence Modeling of protein sequence and biophysical properties (such as structural, functional, and spatial information, amino acid conservation, physicochemical variation, residue mobility, and thermodynamic stability) indicates that this missense variant is not expected to disrupt KMT2A protein function with a negative predictive value of 95%. In summary, the available evidence is currently insufficient to determine the role of this variant in disease. Therefore, it has been classified as a Variant of Uncertain Significance.